The following is an entry in ClinVar:

ClinVar aggregate classification (germline): Uncertain significance (1 of 4 stars; one submission).

Conditions:
Pityriasis rubra pilaris (PRP). Also called: Pityriasis rubra pilaris--familial type. Identifiers: Orphanet 2897, MedGen C0032027, MONDO:0100017, OMIM 173200, MONDO:0008251.
Psoriasis 2. Identifiers: MedGen C1864497, MONDO:0011269, OMIM 602723.

gnomAD v4.1: 80 of 1,586,154 alleles (0.005%); highest among the groups gnomAD compares: Non-Finnish European, 0.0064%; no homozygotes.

Submission:

Labcorp Genetics (formerly Invitae), Labcorp
Classification: Uncertain significance for Pityriasis rubra pilaris; Psoriasis 2. Last evaluated: 2025-08-27. Review status: criteria provided, single submitter. Criteria: Invitae Variant Classification Sherloc (09022015). Collection method: clinical testing. Allele origin: germline.
Comment: This sequence change replaces arginine, which is basic and polar, with glutamine, which is neutral and polar, at codon 295 of the CARD14 protein (p.Arg295Gln). This variant is present in population databases (rs768185060, gnomAD 0.007%). This variant has not been reported in the literature in individuals affected with CARD14-related conditions. ClinVar contains an entry for this variant (Variation ID: 1057167). Invitae Evidence Modeling of protein sequence and biophysical properties (such as structural, functional, and spatial information, amino acid conservation, physicochemical variation, residue mobility, and thermodynamic stability) indicates that this missense variant is not expected to disrupt CARD14 protein function with a negative predictive value of 95%. In summary, the available evidence is currently insufficient to determine the role of this variant in disease. Therefore, it has been classified as a Variant of Uncertain Significance.

NM_001366385.1(CARD14):c.884G>A (p.Arg295Gln)

Gene: CARD14 (caspase recruitment domain family member 14; plus strand). Cytogenetic location: 17q25.3.
Variant type: single nucleotide variant.
Coding change: c.884G>A on transcript NM_001366385.1 (MANE Select); coding-DNA position 884, G replaced by A.
Protein change: p.Arg295Gln; replaces arginine 295 with glutamine.
Molecular consequence: missense variant. On other transcripts: non-coding transcript variant (1).
Genome position (GRCh38, 1-based): chr17:80,189,793, G>A. VCF-style: chr17-80189793-G-A. GRCh37 (hg19) VCF-style: chr17-78163592-G-A.
Other names: c.884G>A, p.Arg295Gln (NM_001257970.1, NM_024110.4); c.173G>A, p.Arg58Gln (NM_052819.3); short protein forms R295Q, R58Q.
Identifiers: ClinVar variation 1057167 (VCV001057167.11), dbSNP rs768185060, ClinGen allele CA8816562.
Genomic context (GRCh38, chr17:80,189,793, plus strand): 5'-CTGACCTCTCTCTGCCCCAGGCGGAGAAGGACATTCTGGAGCAGAGCCTGGACGAGGCGC[G>A]GGGGAGCCGACAGGAGCTGGTGGAGCGCATCCACTCGCTGCGGGAGCGGGCCGTGGCTGC-3'
Protein context (NP_001353314.1, residues 285-305): DILEQSLDEA[Arg295Gln]GSRQELVERI